The following is an entry in ClinVar:

NM_000334.4(SCN4A):c.1100+115T>G

Gene: SCN4A (sodium voltage-gated channel alpha subunit 4; minus strand). Cytogenetic location: 17q23.3.
Variant type: single nucleotide variant.
Coding change: c.1100+115T>G on transcript NM_000334.4 (MANE Select); 115 bases into the intron after coding-DNA position 1100, T replaced by G.
Molecular consequence: intron variant.
Genome position (GRCh38, 1-based): chr17:63,966,366, A>C on the plus strand (T>G on the coding strand, the complement: SCN4A is on the minus strand). VCF-style: chr17-63966366-A-C. GRCh37 (hg19) VCF-style: chr17-62043726-A-C.
Identifiers: ClinVar variation 678286 (VCV000678286.2), dbSNP rs73326367, ClinGen allele CA292971434.

ClinVar aggregate classification (germline): Benign. Review status: criteria provided, multiple submitters, no conflicts (2 of 4 stars). 2 submissions from 2 submitters: Benign (2). Last evaluated 2018-06-19.

Allele frequency attached by ClinVar (database versions not stated): gnomAD exomes 0.00645; gnomAD 0.05884 and 0.06208; TOPMed 0.06648; 1000 Genomes Project 0.07109; 1000 Genomes Project 30x 0.07480.
gnomAD v4.1: 17,445 of 1,405,884 alleles (1.2%); highest among the groups gnomAD compares: African/African-American, 20%; 1,546 homozygotes.

Submissions (2):

GeneDx
Classification: Benign. Last evaluated: 2018-06-19. Review status: criteria provided, single submitter. Criteria: GeneDx Variant Classification (06012015). Collection method: clinical testing. Allele origin: germline. Affected: yes.
Comment: This variant is considered likely benign or benign based on one or more of the following criteria: it is a conservative change, it occurs at a poorly conserved position in the protein, it is predicted to be benign by multiple in silico algorithms, and/or has population frequency not consistent with disease.

Breakthrough Genomics
Classification: Benign. Review status: criteria provided, single submitter. Criteria: ACMG Guidelines, 2015. Collection method: not provided. Allele origin: germline. Inheritance: Autosomal recessive inheritance. Affected: yes.